The following is an entry in ClinVar:

NM_001277115.2(DNAH11):c.7325A>G (p.Lys2442Arg)

Gene: DNAH11 (dynein axonemal heavy chain 11; plus strand). Cytogenetic location: 7p15.3.
Variant type: single nucleotide variant.
Coding change: c.7325A>G on transcript NM_001277115.2 (MANE Select); coding-DNA position 7325, A replaced by G.
Protein change: p.Lys2442Arg; replaces lysine 2442 with arginine.
Molecular consequence: missense variant.
Genome position (GRCh38, 1-based): chr7:21,725,869, A>G. VCF-style: chr7-21725869-A-G. GRCh37 (hg19) VCF-style: chr7-21765487-A-G.
Other names: short protein forms K2442R.
Identifiers: ClinVar variation 197515 (VCV000197515.22), dbSNP rs114286628, ClinGen allele CA245722.
Genomic context (GRCh38, chr7:21,725,869, plus strand): 5'-AGATTTCTGATTATCAAGCTGACTTCAGTCGGTGGTGGCAGAAAGAGATGAAAGCAGTGA[A>G]ATTTCCGTCGCAGGGAACAATCTTTGATTATTATGTGGACCACAAAACTAAGAAATTATT-3'
Protein context (NP_001264044.1, residues 2432-2452): RWWQKEMKAV[Lys2442Arg]FPSQGTIFDY

ClinVar aggregate classification (germline): Conflicting classifications of pathogenicity. Review status: criteria provided, conflicting classifications (1 of 4 stars). 6 submissions from 6 submitters: Uncertain significance (4); Likely benign (1). 1 of the submissions does not count toward it. Last evaluated 2026-07-06.

Conditions:
DNAH11-related disorder. Also called: DNAH11-related condition.
Primary ciliary dyskinesia. Also called: Ciliary dyskinesia. Identifiers: Orphanet 244, MedGen C0008780, MONDO:0016575, HP:0012265.
Primary ciliary dyskinesia 7. Also called: CILIARY DYSKINESIA, PRIMARY, 7, WITH OR WITHOUT SITUS INVERSUS. Identifiers: Orphanet 244, MedGen C2678473, MONDO:0012748, OMIM 611884.

Allele frequency attached by ClinVar (database versions not stated): ESP Exome Variant Server 0.00051; gnomAD 0.00080; TOPMed 0.00144; 1000 Genomes Project 0.00160; 1000 Genomes Project 30x 0.00234.
gnomAD v4.1: 327 of 1,611,292 alleles (0.02%); highest among the groups gnomAD compares: African/African-American, 0.32%; no homozygotes.

Submissions (6):

GeneDx
Classification: Uncertain significance. Last evaluated: 2026-07-06. Review status: criteria provided, single submitter. Criteria: GeneDx Variant Classification Process June 2021. Collection method: clinical testing. Allele origin: germline.
Comment: In silico analysis supports that this missense variant has a deleterious effect on protein structure/function; Has not been previously published as pathogenic or benign to our knowledge

Labcorp Genetics (formerly Invitae), Labcorp
Classification: Likely benign for Primary ciliary dyskinesia. Last evaluated: 2026-02-01. Review status: criteria provided, single submitter. Criteria: Invitae Variant Classification Sherloc (09022015). Collection method: clinical testing. Allele origin: germline.

New York Genome Center
Classification: Uncertain significance for Primary ciliary dyskinesia 7. Last evaluated: 2021-03-04. Review status: criteria provided, single submitter. Criteria: NYGC Assertion Criteria 2020. Collection method: clinical testing. Allele origin: inherited. Observed: 1 heterozygote. Study: CSER-NYCKidSeq.

Ambry Genetics
Classification: Uncertain significance for Primary ciliary dyskinesia. Last evaluated: 2015-12-15. Review status: criteria provided, single submitter. Criteria: Ambry Variant Classification Scheme 2023. Collection method: clinical testing. Allele origin: germline.
Comment: The p.K2442R variant (also known as c.7325A>G), located in coding exon 45 of the DNAH11 gene, results from an A to G substitution at nucleotide position 7325. The lysine at codon 2442 is replaced by arginine, an amino acid with highly similar properties. This variant was previously reported in the SNPDatabase as rs114286628. Based on data from the 1000 Genomes Project, the G allele has an overall frequency of approximately 0.14% (3/2098) total alleles studied. The highest observed frequency was 1.14% (2/176) Yoruba alleles. Based on data from the NHLBI Exome Sequencing Project (ESP), the G allele has an overall frequency of approximately 0.05% (6/11828) total alleles studied, having been observed in 0.16% (6/3654) African American alleles. This amino acid position is highly conserved in available vertebrate species. In addition, this alteration is predicted to be deleterious by SIFT. Since supporting evidence is limited at this time, the clinical significance of this variant remains unclear.

Eurofins Ntd Llc (ga)
Classification: Uncertain significance. Last evaluated: 2014-05-07. Review status: criteria provided, single submitter. Criteria: EGL Classification Definitions 2015. Collection method: clinical testing. Allele origin: germline. Observed: 1 variant allele, 1 heterozygote.

PreventionGenetics, part of Exact Sciences
Classification: Likely benign for DNAH11-related condition. Last evaluated: 2023-03-08. Review status: no assertion criteria provided. Collection method: clinical testing. Allele origin: germline. Not counted in ClinVar's aggregate classification.
Comment: This variant is classified as likely benign based on ACMG/AMP sequence variant interpretation guidelines (Richards et al. 2015 PMID: 25741868, with internal and published modifications).